The following is an entry in ClinVar:

NM_003611.3(OFD1):c.1399C>A (p.Arg467Ser)

Gene: OFD1 (OFD1 centriole and centriolar satellite protein; plus strand). Cytogenetic location: Xp22.2.
Variant type: single nucleotide variant.
Coding change: c.1399C>A on transcript NM_003611.3 (MANE Select); coding-DNA position 1399, C replaced by A.
Protein change: p.Arg467Ser; replaces arginine 467 with serine.
Molecular consequence: missense variant.
Genome position (GRCh38, 1-based): chrX:13,756,755, C>A. VCF-style: chrX-13756755-C-A. GRCh37 (hg19) VCF-style: chrX-13774874-C-A.
Other names: c.1279C>A, p.Arg427Ser (NM_001330209.2); c.979C>A, p.Arg327Ser (NM_001330210.2); short protein forms R467S, R327S, R427S.
Identifiers: ClinVar variation 216573 (VCV000216573.10), dbSNP rs140561107, ClinGen allele CA336842.

ClinVar aggregate classification (germline): Uncertain significance. Review status: criteria provided, multiple submitters, no conflicts (2 of 4 stars). 2 submissions from 2 submitters: Uncertain significance (2). Last evaluated 2025-06-14.

Conditions:
Orofaciodigital syndrome I (OFD1). Also called: Oral-Facial-Digital Syndrome Type I; Papillon-Leage and Psaume Syndrome; OFDS I. Identifiers: Orphanet 2750, MedGen C1510460, MONDO:0010702, OMIM 311200.
Joubert syndrome. Also called: JOUBERT-BOLTSHAUSER SYNDROME; Familial aplasia of the vermis. Identifiers: Orphanet 475, MedGen C5979921, MONDO:0018772.
Primary ciliary dyskinesia. Also called: Ciliary dyskinesia. Identifiers: Orphanet 244, MedGen C0008780, MONDO:0016575, HP:0012265.

Submissions (2):

Labcorp Genetics (formerly Invitae), Labcorp
Classification: Uncertain significance for Orofaciodigital syndrome I; Joubert syndrome. Last evaluated: 2025-06-14. Review status: criteria provided, single submitter. Criteria: Invitae Variant Classification Sherloc (09022015). Collection method: clinical testing. Allele origin: germline.
Comment: This sequence change replaces arginine, which is basic and polar, with serine, which is neutral and polar, at codon 467 of the OFD1 protein (p.Arg467Ser). This variant is present in population databases (no rsID available, gnomAD 0.003%). This variant has not been reported in the literature in individuals affected with OFD1-related conditions. ClinVar contains an entry for this variant (Variation ID: 216573). Invitae Evidence Modeling of protein sequence and biophysical properties (such as structural, functional, and spatial information, amino acid conservation, physicochemical variation, residue mobility, and thermodynamic stability) indicates that this missense variant is not expected to disrupt OFD1 protein function with a negative predictive value of 80%. In summary, the available evidence is currently insufficient to determine the role of this variant in disease. Therefore, it has been classified as a Variant of Uncertain Significance.

Ambry Genetics
Classification: Uncertain significance for Primary ciliary dyskinesia. Last evaluated: 2022-10-27. Review status: criteria provided, single submitter. Criteria: Ambry Variant Classification Scheme 2023. Collection method: clinical testing. Allele origin: germline.